The following is an entry in ClinVar:

ClinVar aggregate classification (germline): Benign/Likely benign. Review status: criteria provided, multiple submitters, no conflicts (2 of 4 stars). 4 submissions from 4 submitters: Benign (1); Likely benign (3). Last evaluated 2026-03-01.

Conditions:
Combined immunodeficiency due to LRBA deficiency. Also called: Common variable immunodeficiency 8, with autoimmunity. Identifiers: Orphanet 445018, MedGen C3553512, MONDO:0013863, OMIM 614700.

Submissions (4):

CeGaT Center for Human Genetics Tuebingen
Classification: Likely benign. Last evaluated: 2026-03-01. Review status: criteria provided, single submitter. Criteria: CeGaT Center For Human Genetics Tuebingen Variant Classification Criteria Version 2. Collection method: clinical testing. Allele origin: germline. Affected: yes. Observed: 3 variant alleles.
Comment: LRBA: BP4

Labcorp Genetics (formerly Invitae), Labcorp
Classification: Benign for Combined immunodeficiency due to LRBA deficiency. Last evaluated: 2025-12-15. Review status: criteria provided, single submitter. Criteria: Invitae Variant Classification Sherloc (09022015). Collection method: clinical testing. Allele origin: germline.

Mayo Clinic Laboratories, Mayo Clinic
Classification: Likely benign. Last evaluated: 2025-12-10. Review status: criteria provided, single submitter. Criteria: ACMG Guidelines, 2015. Collection method: clinical testing. Allele origin: germline. Observed: 3 variant alleles.
Comment: BS1, BP4, BP7

Blueprint Genetics
Classification: Likely benign. Last evaluated: 2024-11-25. Review status: criteria provided, single submitter. Criteria: ACMG Guidelines, 2015. Collection method: clinical testing. Allele origin: germline.

NM_001364905.1(LRBA):c.5581-5dup

Gene: LRBA (LPS responsive beige-like anchor protein; minus strand). Cytogenetic location: 4q31.3.
Variant type: Duplication.
Coding change: c.5581-5dup on transcript NM_001364905.1 (MANE Select); 5 bases into the intron before coding-DNA position 5581, one base duplicated (T; older notation c.5581-5dupT).
Molecular consequence: intron variant.
Genome position (GRCh38, 1-based): chr4:150,761,852, A duplicated on the plus strand (T on the coding strand, the reverse complement: LRBA is on the minus strand); the first of 10 consecutive A bases (chr4:150,761,852-150,761,861); duplicating any one gives the same sequence. VCF-style (leftmost placement, unchanged base first): chr4-150761851-T-TA. GRCh37 (hg19) VCF-style: chr4-151683003-T-TA.
Other names: p.?; c.5581-5dupT (NM_006726.4); c.5581-5dup (NM_001367550.1, NM_006726.5, NM_001199282.3 and 2 more transcripts).
Identifiers: ClinVar variation 473181 (VCV000473181.21), dbSNP rs760075270, ClinGen allele CA3102424.